The following is an entry in ClinVar:

ClinVar aggregate classification (germline): Likely pathogenic (1 of 4 stars; one submission).

Conditions:
UNC13D-related disorder. Also called: UNC13D-related condition.

Submission:

PreventionGenetics, part of Exact Sciences
Classification: Likely pathogenic for UNC13D-related condition. Last evaluated: 2024-11-27. Review status: criteria provided, single submitter. Criteria: ACMG Guidelines, 2015. Collection method: clinical testing. Allele origin: germline.
Comment: The UNC13D c.1054delG variant is predicted to result in a frameshift and premature protein termination (p.Ala352Argfs*52). To our knowledge, this variant has not been reported in the literature or in a large population database (gnomAD), indicating this variant is rare. Frameshift variants in UNC13D are expected to be pathogenic. This variant is interpreted as likely pathogenic.

NM_199242.3(UNC13D):c.1054del (p.Ala352fs)

Gene: UNC13D (unc-13 homolog D; minus strand). Cytogenetic location: 17q25.1.
Variant type: Deletion.
Coding change: c.1054del on transcript NM_199242.3 (MANE Select); coding-DNA position 1054, one base deleted (G; older notation c.1054delG).
Protein change: p.Ala352fs; shifts the reading frame from alanine 352.
Molecular consequence: frameshift variant.
Genome position (GRCh38, 1-based): chr17:75,839,840, C deleted on the plus strand (G on the coding strand, the reverse complement: UNC13D is on the minus strand); the first of 2 consecutive C bases (chr17:75,839,840-75,839,841); deleting either gives the same sequence. VCF-style (leftmost placement, unchanged base first): chr17-75839839-GC-G. GRCh37 (hg19) VCF-style: chr17-73835920-GC-G.
Other names: c.1054delG (NM_199242.2); short protein forms A352fs.
Identifiers: ClinVar variation 4997399 (VCV004997399.1).